The following is an entry in ClinVar:

NM_032447.5(FBN3):c.391C>T (p.Arg131Trp)

Gene: FBN3 (fibrillin 3; minus strand). Cytogenetic location: 19p13.2.
Variant type: single nucleotide variant.
Coding change: c.391C>T on transcript NM_032447.5 (MANE Select); coding-DNA position 391, C replaced by T.
Protein change: p.Arg131Trp; replaces arginine 131 with tryptophan.
Molecular consequence: missense variant.
Genome position (GRCh38, 1-based): chr19:8,145,897, G>A on the plus strand (C>T on the coding strand, the complement: FBN3 is on the minus strand). VCF-style: chr19-8145897-G-A. GRCh37 (hg19) VCF-style: chr19-8210781-G-A.
Other names: c.391C>T, p.Arg131Trp (NM_001321431.2); short protein forms R131W.
Identifiers: ClinVar variation 1390716 (VCV001390716.8), dbSNP rs1210678636, ClinGen allele CA403724440.

ClinVar aggregate classification (germline): Uncertain significance (1 of 4 stars; one submission).

Allele frequency attached by ClinVar (database versions not stated): gnomAD exomes 0.00001 and 0.00002; TOPMed 0.00002; gnomAD 0.00004 and 0.00005.
gnomAD v4.1: 14 of 1,551,056 alleles (0.0009%); highest among the groups gnomAD compares: African/African-American, 0.015%; no homozygotes.

Submission:

Labcorp Genetics (formerly Invitae), Labcorp
Classification: Uncertain significance. Last evaluated: 2021-05-26. Review status: criteria provided, single submitter. Criteria: Invitae Variant Classification Sherloc (09022015). Collection method: clinical testing. Allele origin: germline.
Comment: This sequence change replaces arginine with tryptophan at codon 131 of the FBN3 protein (p.Arg131Trp). The arginine residue is weakly conserved and there is a small physicochemical difference between arginine and tryptophan. This variant is not present in population databases (ExAC no frequency). In summary, the available evidence is currently insufficient to determine the role of this variant in disease. Therefore, it has been classified as a Variant of Uncertain Significance. Algorithms developed to predict the effect of missense changes on protein structure and function output the following: SIFT: "Not Available"; PolyPhen-2: "Benign"; Align-GVGD: "Not Available". The tryptophan amino acid residue is found in multiple mammalian species, suggesting that this missense change does not adversely affect protein function. These predictions have not been confirmed by published functional studies and their clinical significance is uncertain. This variant has not been reported in the literature in individuals with FBN3-related conditions.